The following is an entry in ClinVar:

ClinVar aggregate classification (germline): Uncertain significance (1 of 4 stars; one submission).

Submission:

Labcorp Genetics (formerly Invitae), Labcorp
Classification: Uncertain significance. Last evaluated: 2022-10-05. Review status: criteria provided, single submitter. Criteria: Invitae Variant Classification Sherloc (09022015). Collection method: clinical testing. Allele origin: germline.
Comment: In summary, the available evidence is currently insufficient to determine the role of this variant in disease. Therefore, it has been classified as a Variant of Uncertain Significance. Advanced modeling of protein sequence and biophysical properties (such as structural, functional, and spatial information, amino acid conservation, physicochemical variation, residue mobility, and thermodynamic stability) performed at Invitae indicates that this missense variant is not expected to disrupt DHX38 protein function. This variant has not been reported in the literature in individuals affected with DHX38-related conditions. This variant is not present in population databases (gnomAD no frequency). This sequence change replaces alanine, which is neutral and non-polar, with valine, which is neutral and non-polar, at codon 506 of the DHX38 protein (p.Ala506Val).

NM_014003.4(DHX38):c.1517C>T (p.Ala506Val)

Gene: DHX38 (DEAH-box helicase 38; plus strand). Cytogenetic location: 16q22.2.
Variant type: single nucleotide variant.
Coding change: c.1517C>T on transcript NM_014003.4 (MANE Select); coding-DNA position 1517, C replaced by T.
Protein change: p.Ala506Val; replaces alanine 506 with valine.
Molecular consequence: missense variant.
Genome position (GRCh38, 1-based): chr16:72,103,091, C>T. VCF-style: chr16-72103091-C-T. GRCh37 (hg19) VCF-style: chr16-72136990-C-T.
Other names: short protein forms A506V.
Identifiers: ClinVar variation 2038744 (VCV002038744.4), dbSNP rs2507101594, ClinGen allele CA396707308.